The following is an entry in ClinVar:

NM_002485.5(NBN):c.181G>C (p.Asp61His)

Gene: NBN (nibrin; minus strand). Cytogenetic location: 8q21.3.
Variant type: single nucleotide variant.
Coding change: c.181G>C on transcript NM_002485.5 (MANE Select); coding-DNA position 181, G replaced by C.
Protein change: p.Asp61His; replaces aspartic acid 61 with histidine.
Molecular consequence: missense variant. On other transcripts: 5 prime UTR variant (1).
Genome position (GRCh38, 1-based): chr8:89,981,514, C>G on the plus strand (G>C on the coding strand, the complement: NBN is on the minus strand). VCF-style: chr8-89981514-C-G. GRCh37 (hg19) VCF-style: chr8-90993742-C-G.
Other names: c.-66G>C (NM_001024688.3); short protein forms D61H.
Identifiers: ClinVar variation 1962625 (VCV001962625.6), dbSNP rs1812067648, ClinGen allele CA371662625.
Genomic context (GRCh38, chr8:89,981,514, plus strand): 5'-CCTCATTAACAAAGGTACCATACTTAGAATTATCTTTTAATGTCAATACAGGGATTTCAT[C>G]TGTTTGACTCTGAAAAGTTAGCAAATAATTTAAAGTCTTTTACCACTCAGTACATTCACT-3'
Protein context (NP_002476.2, residues 51-71): NFSVTNLSQT[Asp61His]EIPVLTLKDN

ClinVar aggregate classification (germline): Uncertain significance. Review status: criteria provided, multiple submitters, no conflicts (2 of 4 stars). 2 submissions from 2 submitters: Uncertain significance (2). Last evaluated 2023-02-21.

Conditions:
Hereditary cancer-predisposing syndrome. Also called: Tumor predisposition; Hereditary neoplastic syndrome; Hereditary Cancer Syndrome; Neoplastic Syndromes, Hereditary. Identifiers: Orphanet 140162, MedGen C0027672, MeSH D009386, MONDO:0015356.
Microcephaly, normal intelligence and immunodeficiency (NBS). Also called: Immunodeficiency, microcephaly with normal intelligence; Ataxia telangiectasia variant V1; IMMUNODEFICIENCY, MICROCEPHALY, AND CHROMOSOMAL INSTABILITY; SEEMANOVA SYNDROME II; Nijmegen breakage syndrome; Microcephaly with normal intelligence immunodeficiency and lymphoreticular malignancies. Identifiers: Orphanet 647, MedGen C0398791, MONDO:0009623, OMIM 251260.

Submissions (2):

Ambry Genetics
Classification: Uncertain significance for Hereditary cancer-predisposing syndrome. Last evaluated: 2023-02-21. Review status: criteria provided, single submitter. Criteria: Ambry Variant Classification Scheme 2023. Collection method: clinical testing. Allele origin: germline.
Comment: The p.D61H variant (also known as c.181G>C), located in coding exon 3 of the NBN gene, results from a G to C substitution at nucleotide position 181. The aspartic acid at codon 61 is replaced by histidine, an amino acid with similar properties. This amino acid position is not well conserved in available vertebrate species. In addition, this alteration is predicted to be tolerated by in silico analysis. Since supporting evidence is limited at this time, the clinical significance of this alteration remains unclear.

Labcorp Genetics (formerly Invitae), Labcorp
Classification: Uncertain significance for Microcephaly, normal intelligence and immunodeficiency. Last evaluated: 2022-07-23. Review status: criteria provided, single submitter. Criteria: Invitae Variant Classification Sherloc (09022015). Collection method: clinical testing. Allele origin: germline.
Comment: This sequence change replaces aspartic acid, which is acidic and polar, with histidine, which is basic and polar, at codon 61 of the NBN protein (p.Asp61His). This variant is not present in population databases (gnomAD no frequency). In summary, the available evidence is currently insufficient to determine the role of this variant in disease. Therefore, it has been classified as a Variant of Uncertain Significance. Algorithms developed to predict the effect of missense changes on protein structure and function output the following: SIFT: "Tolerated"; PolyPhen-2: "Benign"; Align-GVGD: "Class C0". The histidine amino acid residue is found in multiple mammalian species, which suggests that this missense change does not adversely affect protein function. This variant has not been reported in the literature in individuals affected with NBN-related conditions.